The following is an entry in ClinVar:

ClinVar aggregate classification (germline): Uncertain significance (1 of 4 stars; one submission).

Submission:

GeneDx
Classification: Uncertain significance. Last evaluated: 2023-07-26. Review status: criteria provided, single submitter. Criteria: GeneDx Variant Classification Process June 2021. Collection method: clinical testing. Allele origin: germline. Affected: yes.
Comment: Not observed at significant frequency in large population cohorts (gnomAD); In silico analysis supports that this missense variant has a deleterious effect on protein structure/function; Has not been previously published as pathogenic or benign to our knowledge

NM_005271.5(GLUD1):c.607A>G (p.Arg203Gly)

Gene: GLUD1 (glutamate dehydrogenase 1; minus strand). Cytogenetic location: 10q23.2.
Variant type: single nucleotide variant.
Coding change: c.607A>G on transcript NM_005271.5 (MANE Select); coding-DNA position 607, A replaced by G.
Protein change: p.Arg203Gly; replaces arginine 203 with glycine.
Molecular consequence: missense variant.
Genome position (GRCh38, 1-based): chr10:87,074,590, T>C on the plus strand (A>G on the coding strand, the complement: GLUD1 is on the minus strand). VCF-style: chr10-87074590-T-C. GRCh37 (hg19) VCF-style: chr10-88834347-T-C.
Other names: c.208A>G, p.Arg70Gly (NM_001318900.1); c.106A>G, p.Arg36Gly (NM_001318901.1, NM_001318902.1, NM_001318904.2 and 2 more transcripts); short protein forms R203G, R36G, R70G.
Identifiers: ClinVar variation 3361319 (VCV003361319.1).